The following is an entry in ClinVar:

NM_000642.3(AGL):c.2681+1G>C

Gene: AGL (amylo-alpha-1,6-glucosidase and 4-alpha-glucanotransferase; plus strand). Cytogenetic location: 1p21.2.
Variant type: single nucleotide variant.
Coding change: c.2681+1G>C on transcript NM_000642.3 (MANE Select); the canonical splice donor site of the intron after coding-DNA position 2681, G replaced by C.
Molecular consequence: splice donor variant. On other transcripts: intron variant (1).
Genome position (GRCh38, 1-based): chr1:99,884,704, G>C. VCF-style: chr1-99884704-G-C. GRCh37 (hg19) VCF-style: chr1-100350260-G-C.
Other names: c.2681+1G>C (NM_000643.3, NM_000644.3, NM_001425326.1 and 2 more transcripts); c.2633+1G>C (NM_000646.3); c.2480+1G>C (NM_001425327.1); c.2477+1G>C (NM_001425328.1); c.2342+253G>C (NM_001425329.1); c.2303+1G>C (NM_001425332.1).
Identifiers: ClinVar variation 4704900 (VCV004704900.1).
Genomic context (GRCh38, chr1:99,884,704, plus strand): 5'-TAAATCTGGCAGCCTAGCTGTTGACAATGCAGATCCTATATTAAAAATTCCTTTTGCTTC[G>C]TAAGTATGCCTTGTTTGGTAGAGATTTGCCACCTTAATAAGTAAGTTACCACTAGACTGA-3'

ClinVar aggregate classification (germline): Pathogenic (1 of 4 stars; one submission).

Conditions:
Glycogen storage disease type III (GSD3). Also called: Cori disease; FORBES DISEASE. Identifiers: Orphanet 366, MedGen C0017922, MONDO:0009291, OMIM 232400.

Submission:

Labcorp Genetics (formerly Invitae), Labcorp
Classification: Pathogenic for Glycogen storage disease type III. Last evaluated: 2025-05-22. Review status: criteria provided, single submitter. Criteria: Invitae Variant Classification Sherloc (09022015). Collection method: clinical testing. Allele origin: germline.
Comment: This sequence change affects a donor splice site in intron 20 of the AGL gene. RNA analysis indicates that disruption of this splice site induces altered splicing and may result in an absent or altered protein product. This variant is not present in population databases (gnomAD no frequency). Disruption of this splice site has been observed in individual(s) with glycogen storage disease type III (PMID: 10472540, 31028654). In at least one individual the data is consistent with being in trans (on the opposite chromosome) from a pathogenic variant. Studies have shown that disruption of this splice site results in skipping of exon 21, and produces a non-functional protein and/or introduces a premature termination codon (PMID: 31028654). For these reasons, this variant has been classified as Pathogenic.

Literature cited by the submitters: PubMed 10472540; PubMed 31028654.